The following is an entry in ClinVar:

ClinVar aggregate classification (germline): Conflicting classifications of pathogenicity. Review status: criteria provided, conflicting classifications (1 of 4 stars). 3 submissions from 3 submitters: Uncertain significance (2); Likely benign (1). Last evaluated 2024-11-19.

Conditions:
Brain small vessel disease 2A, autosomal dominant. Also called: Porencephaly 2. Identifiers: Orphanet 2940, Orphanet 99810, MedGen C3280970, MONDO:0013773, OMIM 614483.
Inborn genetic diseases. Identifiers: MedGen C0950123, MeSH D030342.

Allele frequency attached by ClinVar (database versions not stated): ExAC 0.00003; gnomAD 0.00007 and 0.00008; TOPMed 0.00007; gnomAD exomes 0.00008 and 0.00016.
gnomAD v4.1: 241 of 1,577,614 alleles (0.015%); highest among the groups gnomAD compares: Non-Finnish European, 0.02%; no homozygotes.

Submissions (3):

Labcorp Genetics (formerly Invitae), Labcorp
Classification: Uncertain significance. Last evaluated: 2024-11-19. Review status: criteria provided, single submitter. Criteria: Invitae Variant Classification Sherloc (09022015). Collection method: clinical testing. Allele origin: germline.
Comment: This sequence change replaces proline, which is neutral and non-polar, with serine, which is neutral and polar, at codon 734 of the COL4A2 protein (p.Pro734Ser). This variant is present in population databases (rs761169216, gnomAD 0.01%). This variant has not been reported in the literature in individuals affected with COL4A2-related conditions. ClinVar contains an entry for this variant (Variation ID: 881193). Invitae Evidence Modeling of protein sequence and biophysical properties (such as structural, functional, and spatial information, amino acid conservation, physicochemical variation, residue mobility, and thermodynamic stability) indicates that this missense variant is not expected to disrupt COL4A2 protein function with a negative predictive value of 95%. In summary, the available evidence is currently insufficient to determine the role of this variant in disease. Therefore, it has been classified as a Variant of Uncertain Significance.

Ambry Genetics
Classification: Likely benign for Inborn genetic diseases. Last evaluated: 2022-12-01. Review status: criteria provided, single submitter. Criteria: Ambry Variant Classification Scheme 2023. Collection method: clinical testing. Allele origin: germline.

Illumina Laboratory Services, Illumina
Classification: Uncertain significance for Brain small vessel disease 2A, autosomal dominant. Last evaluated: 2018-01-12. Review status: criteria provided, single submitter. Criteria: ICSL Variant Classification Criteria 13 December 2019. Collection method: clinical testing. Allele origin: germline.

NM_001846.4(COL4A2):c.2200C>T (p.Pro734Ser)

Gene: COL4A2 (collagen type IV alpha 2 chain; plus strand). Cytogenetic location: 13q34.
Variant type: single nucleotide variant.
Coding change: c.2200C>T on transcript NM_001846.4 (MANE Select); coding-DNA position 2200, C replaced by T.
Protein change: p.Pro734Ser; replaces proline 734 with serine.
Molecular consequence: missense variant.
Genome position (GRCh38, 1-based): chr13:110,469,321, C>T. VCF-style: chr13-110469321-C-T. GRCh37 (hg19) VCF-style: chr13-111121668-C-T.
Other names: short protein forms P734S.
Identifiers: ClinVar variation 881193 (VCV000881193.10), dbSNP rs761169216, ClinGen allele CA7049869.